The following is an entry in ClinVar:

NM_001792.5(CDH2):c.775G>A (p.Asp259Asn)

Gene: CDH2 (cadherin 2; minus strand). Cytogenetic location: 18q12.1.
Variant type: single nucleotide variant.
Coding change: c.775G>A on transcript NM_001792.5 (MANE Select); coding-DNA position 775, G replaced by A.
Protein change: p.Asp259Asn; replaces aspartic acid 259 with asparagine.
Molecular consequence: missense variant.
Genome position (GRCh38, 1-based): chr18:28,005,921, C>T on the plus strand (G>A on the coding strand, the complement: CDH2 is on the minus strand). VCF-style: chr18-28005921-C-T. GRCh37 (hg19) VCF-style: chr18-25585885-C-T.
Other names: c.682G>A, p.Asp228Asn (NM_001308176.2); short protein forms D228N, D259N.
Identifiers: ClinVar variation 3573912 (VCV003573912.1).

ClinVar aggregate classification (germline): Uncertain significance (1 of 4 stars; one submission).

Submission:

GeneDx
Classification: Uncertain significance. Last evaluated: 2024-07-19. Review status: criteria provided, single submitter. Criteria: GeneDx Variant Classification Process June 2021. Collection method: clinical testing. Allele origin: germline. Affected: yes.
Comment: Not observed at significant frequency in large population cohorts (gnomAD); In silico analysis supports that this missense variant has a deleterious effect on protein structure/function; Has not been previously published as pathogenic or benign to our knowledge.